The following is an entry in ClinVar:

NM_001372.4(DNAH9):c.4871A>C (p.Gln1624Pro)

Gene: DNAH9 (dynein axonemal heavy chain 9; plus strand). Cytogenetic location: 17p12.
Variant type: single nucleotide variant.
Coding change: c.4871A>C on transcript NM_001372.4 (MANE Select); coding-DNA position 4871, A replaced by C.
Protein change: p.Gln1624Pro; replaces glutamine 1624 with proline.
Molecular consequence: missense variant.
Genome position (GRCh38, 1-based): chr17:11,694,446, A>C. VCF-style: chr17-11694446-A-C. GRCh37 (hg19) VCF-style: chr17-11597763-A-C.
Other names: short protein forms Q1624P.
Identifiers: ClinVar variation 1917698 (VCV001917698.5), dbSNP rs747049461, ClinGen allele CA8395810.
Genomic context (GRCh38, chr17:11,694,446, plus strand): 5'-TTTACTTTCTCTCCTCCTCCGATCTGTTAGACATCCTTTCCAACGGCACAGCTCCACAAC[A>C]GGTAAGCTGGAGGAGCATCTGCAGAAAGGTCTAGGAGGGCTGAGGGGTGCCCAGCAGGAG-3'
Protein context (NP_001363.2, residues 1614-1634): DILSNGTAPQ[Gln1624Pro]VQRHLSKLFD

ClinVar aggregate classification (germline): Uncertain significance. Review status: criteria provided, multiple submitters, no conflicts (2 of 4 stars). 2 submissions from 2 submitters: Uncertain significance (2). Last evaluated 2024-05-29.

Conditions:
Inborn genetic diseases. Identifiers: MedGen C0950123, MeSH D030342.

Allele frequency attached by ClinVar (database versions not stated): ExAC 0.00001; gnomAD 0.00001; gnomAD exomes 0.00001; TOPMed 0.00001.
gnomAD v4.1: 5 of 1,612,842 alleles (0.00031%); highest among the groups gnomAD compares: Admixed American, 0.0084%; 1 homozygote.

Submissions (2):

Labcorp Genetics (formerly Invitae), Labcorp
Classification: Uncertain significance. Last evaluated: 2024-05-29. Review status: criteria provided, single submitter. Criteria: Invitae Variant Classification Sherloc (09022015). Collection method: clinical testing. Allele origin: germline.
Comment: This sequence change replaces glutamine, which is neutral and polar, with proline, which is neutral and non-polar, at codon 1624 of the DNAH9 protein (p.Gln1624Pro). This variant is present in population databases (rs747049461, gnomAD 0.01%), including at least one homozygous and/or hemizygous individual. This variant has not been reported in the literature in individuals affected with DNAH9-related conditions. ClinVar contains an entry for this variant (Variation ID: 1917698). An algorithm developed to predict the effect of missense changes on protein structure and function (PolyPhen-2) suggests that this variant¬†is likely to be tolerated. In summary, the available evidence is currently insufficient to determine the role of this variant in disease. Therefore, it has been classified as a Variant of Uncertain Significance.

Ambry Genetics
Classification: Uncertain significance for Inborn genetic diseases. Last evaluated: 2022-02-17. Review status: criteria provided, single submitter. Criteria: Ambry Variant Classification Scheme 2023. Collection method: clinical testing. Allele origin: germline.